The following is an entry in ClinVar:

NM_013372.7(GREM1):c.211G>A (p.Glu71Lys)

Gene: GREM1 (gremlin 1, DAN family BMP antagonist; plus strand). Cytogenetic location: 15q13.3.
Variant type: single nucleotide variant.
Coding change: c.211G>A on transcript NM_013372.7 (MANE Select); coding-DNA position 211, G replaced by A.
Protein change: p.Glu71Lys; replaces glutamic acid 71 with lysine.
Molecular consequence: missense variant. On other transcripts: intron variant (2).
Genome position (GRCh38, 1-based): chr15:32,730,901, G>A. VCF-style: chr15-32730901-G-A. GRCh37 (hg19) VCF-style: chr15-33023102-G-A.
Other names: c.211G>A, p.Glu71Lys (NM_001368719.1); c.115-27G>A (NM_001191323.2); c.28-27G>A (NM_001191322.2); short protein forms E71K.
Identifiers: ClinVar variation 3282648 (VCV003282648.1).
Genomic context (GRCh38, chr15:32,730,901, plus strand): 5'-CAGCAGCCTGGCTCCAGGAACCGGGGGCGGGGCCAAGGGCGGGGCACTGCCATGCCCGGG[G>A]AGGAGGTGCTGGAGTCCAGCCAAGAGGCCCTGCATGTGACGGAGCGCAAATACCTGAAGC-3'
Protein context (NP_037504.1, residues 61-81): GQGRGTAMPG[Glu71Lys]EVLESSQEAL

ClinVar aggregate classification (germline): Uncertain significance (1 of 4 stars; one submission).

Conditions:
Hereditary cancer-predisposing syndrome. Also called: Tumor predisposition; Hereditary Cancer Syndrome; Hereditary neoplastic syndrome; Neoplastic Syndromes, Hereditary. Identifiers: Orphanet 140162, MedGen C0027672, MeSH D009386, MONDO:0015356.

gnomAD v4.1: 1 of 1,613,790 alleles (0.000062%); highest among the groups gnomAD compares: Non-Finnish European, 0.000085%; no homozygotes.

Submission:

Ambry Genetics
Classification: Uncertain significance for Hereditary cancer-predisposing syndrome. Last evaluated: 2024-04-22. Review status: criteria provided, single submitter. Criteria: Ambry Variant Classification Scheme 2023. Collection method: clinical testing. Allele origin: germline.
Comment: The p.E71K variant (also known as c.211G>A), located in coding exon 1 of the GREM1 gene, results from a G to A substitution at nucleotide position 211. The glutamic acid at codon 71 is replaced by lysine, an amino acid with similar properties. This amino acid position is conserved. In addition, this alteration is predicted to be tolerated by in silico analysis. Based on the available evidence, the clinical significance of this variant remains unclear.